The following is an entry in ClinVar:

ClinVar aggregate classification (germline): Uncertain significance (1 of 4 stars; one submission).

Submission:

Labcorp Genetics (formerly Invitae), Labcorp
Classification: Uncertain significance. Last evaluated: 2024-10-03. Review status: criteria provided, single submitter. Criteria: Invitae Variant Classification Sherloc (09022015). Collection method: clinical testing. Allele origin: germline.
Comment: This sequence change replaces asparagine, which is neutral and polar, with serine, which is neutral and polar, at codon 1191 of the COL11A2 protein (p.Asn1191Ser). This variant is not present in population databases (gnomAD no frequency). This variant has not been reported in the literature in individuals affected with COL11A2-related conditions. Invitae Evidence Modeling of protein sequence and biophysical properties (such as structural, functional, and spatial information, amino acid conservation, physicochemical variation, residue mobility, and thermodynamic stability) indicates that this missense variant is not expected to disrupt COL11A2 protein function with a negative predictive value of 95%. In summary, the available evidence is currently insufficient to determine the role of this variant in disease. Therefore, it has been classified as a Variant of Uncertain Significance.

NM_080680.3(COL11A2):c.3572A>G (p.Asn1191Ser)

Gene: COL11A2 (collagen type XI alpha 2 chain; minus strand). Cytogenetic location: 6p21.32.
Variant type: single nucleotide variant.
Coding change: c.3572A>G on transcript NM_080680.3 (MANE Select); coding-DNA position 3572, A replaced by G.
Protein change: p.Asn1191Ser; replaces asparagine 1191 with serine.
Molecular consequence: missense variant.
Genome position (GRCh38, 1-based): chr6:33,170,336, T>C on the plus strand (A>G on the coding strand, the complement: COL11A2 is on the minus strand). VCF-style: chr6-33170336-T-C. GRCh37 (hg19) VCF-style: chr6-33138113-T-C.
Other names: c.3392A>G, p.Asn1131Ser (NM_001424108.1); c.2726A>G, p.Asn909Ser (NM_001424109.1); c.2546A>G, p.Asn849Ser (NM_001424110.1, NM_001424111.1); c.1526A>G, p.Asn509Ser (NM_001424112.1); c.3251A>G, p.Asn1084Ser (NM_080679.3); c.3314A>G, p.Asn1105Ser (NM_080681.3); short protein forms N1191S, N1084S, N1131S, N849S, N1105S, N509S, N909S.
Identifiers: ClinVar variation 3712477 (VCV003712477.2).